The following is an entry in ClinVar:

NM_012062.5(DNM1L):c.1977A>T (p.Arg659Ser)

Gene: DNM1L (dynamin 1 like; plus strand). Cytogenetic location: 12p11.21.
Variant type: single nucleotide variant.
Coding change: c.1977A>T on transcript NM_012062.5 (MANE Select); coding-DNA position 1977, A replaced by T.
Protein change: p.Arg659Ser; replaces arginine 659 with serine.
Molecular consequence: missense variant.
Genome position (GRCh38, 1-based): chr12:32,740,501, A>T. VCF-style: chr12-32740501-A-T. GRCh37 (hg19) VCF-style: chr12-32893435-A-T.
Other names: c.1944A>T, p.Arg648Ser (NM_001278463.2); c.2016A>T, p.Arg672Ser (NM_001278464.2); c.1983A>T, p.Arg661Ser (NM_001278465.2); c.1368A>T, p.Arg456Ser (NM_001278466.2); c.1905A>T, p.Arg635Ser (NM_001330380.2); c.1866A>T, p.Arg622Ser (NM_005690.5); c.1899A>T, p.Arg633Ser (NM_012063.4); short protein forms R456S, R622S, R648S, R633S, R635S, R659S, R661S, R672S.
Identifiers: ClinVar variation 1420326 (VCV001420326.5), dbSNP rs776581804, ClinGen allele CA6507737.
Genomic context (GRCh38, chr12:32,740,501, plus strand): 5'-GGAACAGCGAGATTGTGAGGTTATTGAACGACTCATTAAATCATATTTTCTCATTGTCAG[A>T]AAGAATATTCAAGACAGGTTAGTATTACTTAATATAAATGACGGACTTTAATACTTCTGG-3'
Protein context (NP_036192.2, residues 649-669): RLIKSYFLIV[Arg659Ser]KNIQDSVPKA

ClinVar aggregate classification (germline): Uncertain significance (1 of 4 stars; one submission).

Allele frequency attached by ClinVar (database versions not stated): TOPMed below 0.00001; gnomAD 0.00001; ExAC 0.00003; gnomAD exomes 0.00003.
gnomAD v4.1: 10 of 1,613,082 alleles (0.00062%); highest among the groups gnomAD compares: Admixed American, 0.017%; no homozygotes.

Submission:

Labcorp Genetics (formerly Invitae), Labcorp
Classification: Uncertain significance. Last evaluated: 2024-08-29. Review status: criteria provided, single submitter. Criteria: Invitae Variant Classification Sherloc (09022015). Collection method: clinical testing. Allele origin: germline.
Comment: This sequence change replaces arginine, which is basic and polar, with serine, which is neutral and polar, at codon 659 of the DNM1L protein (p.Arg659Ser). This variant is present in population databases (rs776581804, gnomAD 0.02%). This variant has not been reported in the literature in individuals affected with DNM1L-related conditions. ClinVar contains an entry for this variant (Variation ID: 1420326). An algorithm developed to predict the effect of missense changes on protein structure and function (PolyPhen-2) suggests that this variant is likely to be disruptive. In summary, the available evidence is currently insufficient to determine the role of this variant in disease. Therefore, it has been classified as a Variant of Uncertain Significance.